The following is an entry in ClinVar:

ClinVar aggregate classification (germline): Uncertain significance. Review status: criteria provided, multiple submitters, no conflicts (2 of 4 stars). 2 submissions from 2 submitters: Uncertain significance (2). Last evaluated 2024-12-21.

Conditions:
Cardiovascular phenotype. Identifiers: MedGen CN230736.

Allele frequency attached by ClinVar (database versions not stated): ExAC 0.00002.
gnomAD v4.1: 2 of 1,579,376 alleles (0.00013%); highest among the groups gnomAD compares: Admixed American, 0.0018%; no homozygotes.

Submissions (2):

Ambry Genetics
Classification: Uncertain significance for Cardiovascular phenotype. Last evaluated: 2024-12-21. Review status: criteria provided, single submitter. Criteria: Ambry Variant Classification Scheme 2023. Collection method: clinical testing. Allele origin: germline.
Comment: The p.P87S variant (also known as c.259C>T), located in coding exon 1 of the LOX gene, results from a C to T substitution at nucleotide position 259. The proline at codon 87 is replaced by serine, an amino acid with similar properties. This amino acid position is conserved. In addition, this alteration is predicted to be tolerated by in silico analysis. Based on the available evidence, the clinical significance of this variant remains unclear.

Labcorp Genetics (formerly Invitae), Labcorp
Classification: Uncertain significance. Last evaluated: 2023-01-20. Review status: criteria provided, single submitter. Criteria: Invitae Variant Classification Sherloc (09022015). Collection method: clinical testing. Allele origin: germline.
Comment: This sequence change replaces proline, which is neutral and non-polar, with serine, which is neutral and polar, at codon 87 of the LOX protein (p.Pro87Ser). The frequency data for this variant in the population databases is considered unreliable, as metrics indicate poor data quality at this position in the gnomAD database. This variant has not been reported in the literature in individuals affected with LOX-related conditions. Advanced modeling of protein sequence and biophysical properties (such as structural, functional, and spatial information, amino acid conservation, physicochemical variation, residue mobility, and thermodynamic stability) performed at Invitae indicates that this missense variant is not expected to disrupt LOX protein function. In summary, the available evidence is currently insufficient to determine the role of this variant in disease. Therefore, it has been classified as a Variant of Uncertain Significance.

NM_002317.7(LOX):c.259C>T (p.Pro87Ser)

Genes: LOX (lysyl oxidase; minus strand), SRFBP1 (serum response factor binding protein 1; plus strand). Cytogenetic location: 5q23.1.
Variant type: single nucleotide variant.
Coding change: c.259C>T on transcript NM_002317.7 (MANE Select); coding-DNA position 259, C replaced by T.
Protein change: p.Pro87Ser; replaces proline 87 with serine.
Molecular consequence: missense variant.
Genome position (GRCh38, 1-based): chr5:122,077,727, G>A on the plus strand (C>T on the coding strand, the complement: LOX is on the minus strand). VCF-style: chr5-122077727-G-A. GRCh37 (hg19) VCF-style: chr5-121413422-G-A.
Other names: c.259C>T (NM_002317.5); short protein forms P87S.
Identifiers: ClinVar variation 2777063 (VCV002777063.4), dbSNP rs746215345, ClinGen allele CA3384088.
Genomic context (GRCh38, chr5:122,077,727, plus strand): 5'-CCGTCCGCGTTCGCGCCGCGGCGGTGCGGTTGTCGCGGATCAGCAGGATCGGAGTGCGGG[G>A]CTGCTGGGCGGAGGCGTTGGCTGCACCAGGGACGGCGGCGCCCGGGTCCCGGCGGCGCTG-3'
Protein context (NP_002308.2, residues 77-97): PGAANASAQQ[Pro87Ser]RTPILLIRDN